The following is an entry in ClinVar:

NM_002047.4(GARS1):c.1543G>A (p.Val515Met)

Gene: GARS1 (glycyl-tRNA synthetase 1; plus strand). Cytogenetic location: 7p14.3.
Variant type: single nucleotide variant.
Coding change: c.1543G>A on transcript NM_002047.4 (MANE Select); coding-DNA position 1543, G replaced by A.
Protein change: p.Val515Met; replaces valine 515 with methionine.
Molecular consequence: missense variant.
Genome position (GRCh38, 1-based): chr7:30,622,392, G>A. VCF-style: chr7-30622392-G-A. GRCh37 (hg19) VCF-style: chr7-30662008-G-A.
Other names: c.1543G>A (LRG_243t1); c.1381G>A, p.Val461Met (NM_001316772.1); short protein forms V515M, V461M.
Identifiers: ClinVar variation 577795 (VCV000577795.8), dbSNP rs367589841, ClinGen allele CA4205995.

ClinVar aggregate classification (germline): Conflicting classifications of pathogenicity. Review status: criteria provided, conflicting classifications (1 of 4 stars). 2 submissions from 2 submitters: Uncertain significance (1); Likely benign (1). Last evaluated 2024-09-30.

Conditions:
Charcot-Marie-Tooth disease type 2. Also called: Charcot-Marie-Tooth type 2. Identifiers: Orphanet 64746, MedGen C0270914, MONDO:0018993.

Allele frequency attached by ClinVar (database versions not stated): ExAC 0.00002; gnomAD 0.00013 and 0.00015; gnomAD exomes 0.00002; ESP Exome Variant Server 0.00008; TOPMed 0.00011.
gnomAD v4.1: 30 of 1,614,034 alleles (0.0019%); highest among the groups gnomAD compares: African/African-American, 0.04%; no homozygotes.

Submissions (2):

Labcorp Genetics (formerly Invitae), Labcorp
Classification: Likely benign for Charcot-Marie-Tooth disease type 2. Last evaluated: 2024-09-30. Review status: criteria provided, single submitter. Criteria: Invitae Variant Classification Sherloc (09022015). Collection method: clinical testing. Allele origin: germline.

Ambry Genetics
Classification: Uncertain significance. Last evaluated: 2022-01-27. Review status: criteria provided, single submitter. Criteria: Ambry Variant Classification Scheme 2023. Collection method: clinical testing. Allele origin: germline.
Comment: The p.V515M variant (also known as c.1543G>A), located in coding exon 12 of the GARS gene, results from a G to A substitution at nucleotide position 1543. The valine at codon 515 is replaced by methionine, an amino acid with highly similar properties. This amino acid position is well conserved in available vertebrate species. In addition, the in silico prediction for this alteration is inconclusive. Based on the supporting evidence, this variant is unlikely to be causative of Charcot-Marie Tooth type 2D (CMT2D) and distal hereditary motor neuronopathy type VA; however, its contribution to the development of GARS-related mitochondrial respiratory chain dysfunction is uncertain.